The following is an entry in ClinVar:

ClinVar aggregate classification (germline): Likely benign. Review status: criteria provided, single submitter (1 of 4 stars). 2 submissions from 2 submitters: Likely benign (1). 1 of the submissions does not count toward it. Last evaluated 2025-03-30.

Conditions:
SLC25A11-related disorder. Also called: SLC25A11-related condition.

Allele frequency attached by ClinVar (database versions not stated): TOPMed 0.00003; gnomAD 0.00014; gnomAD exomes 0.00028; ExAC 0.00059; 1000 Genomes Project 0.00120; 1000 Genomes Project 30x 0.00141.

Submissions (2):

Labcorp Genetics (formerly Invitae), Labcorp
Classification: Likely benign. Last evaluated: 2025-03-30. Review status: criteria provided, single submitter. Criteria: Invitae Variant Classification Sherloc (09022015). Collection method: clinical testing. Allele origin: germline.

PreventionGenetics, part of Exact Sciences
Classification: Likely benign for SLC25A11-related condition. Last evaluated: 2019-05-15. Review status: no assertion criteria provided. Collection method: clinical testing. Allele origin: germline. Not counted in ClinVar's aggregate classification.
Comment: This variant is classified as likely benign based on ACMG/AMP sequence variant interpretation guidelines (Richards et al. 2015 PMID: 25741868, with internal and published modifications).

NM_003562.5(SLC25A11):c.432T>A (p.Leu144=)

Gene: SLC25A11 (solute carrier family 25 member 11; minus strand). Cytogenetic location: 17p13.2.
Variant type: single nucleotide variant.
Coding change: c.432T>A on transcript NM_003562.5 (MANE Select); coding-DNA position 432, T replaced by A.
Protein change: p.Leu144=; no amino-acid change (leucine 144 retained).
Molecular consequence: synonymous variant.
Genome position (GRCh38, 1-based): chr17:4,938,792, A>T on the plus strand (T>A on the coding strand, the complement: SLC25A11 is on the minus strand). VCF-style: chr17-4938792-A-T. GRCh37 (hg19) VCF-style: chr17-4842087-A-T.
Other names: c.399T>A, p.Leu133= (NM_001165417.2); c.279T>A, p.Leu93= (NM_001165418.2).
Identifiers: ClinVar variation 3041511 (VCV003041511.3), dbSNP rs531098231, ClinGen allele CA8315326.
Genomic context (GRCh38, chr17:4,938,792, plus strand): 5'-GAATGGGGCTGGGGTTAGGTTCAGACTTGGAACTCACCGGCCATCGGCAGTCATGCGGAT[A>T]AGAGCCACTTCGGCTGGTGTTCCCACAAAGGCACCAGTGGCACCTGCGGTCATGCCAATC-3'
Protein context (NP_003553.2, residues 134-154): AFVGTPAEVA[Leu144=]IRMTADGRLP